The following is an entry in ClinVar:

NM_032242.4(PLXNA1):c.2625G>T (p.Pro875=)

Gene: PLXNA1 (plexin A1; plus strand). Cytogenetic location: 3q21.3.
Variant type: single nucleotide variant.
Coding change: c.2625G>T on transcript NM_032242.4 (MANE Select); coding-DNA position 2625, G replaced by T.
Protein change: p.Pro875=; no amino-acid change (proline 875 retained).
Molecular consequence: synonymous variant.
Genome position (GRCh38, 1-based): chr3:127,014,498, G>T. VCF-style: chr3-127014498-G-T. GRCh37 (hg19) VCF-style: chr3-126733341-G-T.
Identifiers: ClinVar variation 3052960 (VCV003052960.2), dbSNP rs368369018, ClinGen allele CA435760061.

ClinVar aggregate classification (germline): Likely benign (0 of 4 stars; one submission).

Conditions:
PLXNA1-related disorder. Also called: PLXNA1-related condition.

Submission:

PreventionGenetics, part of Exact Sciences
Classification: Likely benign for PLXNA1-related condition. Last evaluated: 2024-02-21. Review status: no assertion criteria provided. Collection method: clinical testing. Allele origin: germline.
Comment: This variant is classified as likely benign based on ACMG/AMP sequence variant interpretation guidelines (Richards et al. 2015 PMID: 25741868, with internal and published modifications).